The following is an entry in ClinVar:

NM_001042517.2(DIAPH3):c.2862+4T>A

Gene: DIAPH3 (diaphanous related formin 3; minus strand). Cytogenetic location: 13q21.2.
Variant type: single nucleotide variant.
Coding change: c.2862+4T>A on transcript NM_001042517.2 (MANE Select); 4 bases into the intron after coding-DNA position 2862, T replaced by A.
Molecular consequence: intron variant.
Genome position (GRCh38, 1-based): chr13:59,839,320, A>T on the plus strand (T>A on the coding strand, the complement: DIAPH3 is on the minus strand). VCF-style: chr13-59839320-A-T. GRCh37 (hg19) VCF-style: chr13-60413454-A-T.
Other names: c.2652+4T>A (NM_001258368.2); c.2724+4T>A (NM_001258367.2); c.2829+4T>A (NM_001258366.2); c.2862+4T>A (NM_001258369.2); c.2073+4T>A (NM_030932.4).
Identifiers: ClinVar variation 4983096 (VCV004983096.1).

ClinVar aggregate classification (germline): Uncertain significance (1 of 4 stars; one submission).

Conditions:
DIAPH3-related disorder. Also called: DIAPH3-related condition.

gnomAD v4.1: 5 of 1,613,192 alleles (0.00031%); highest among the groups gnomAD compares: Non-Finnish European, 0.00034%; no homozygotes.

Submission:

PreventionGenetics, part of Exact Sciences
Classification: Uncertain significance for DIAPH3-related condition. Last evaluated: 2026-08-04. Review status: criteria provided, single submitter. Criteria: ACMG Guidelines, 2015. Collection method: clinical testing. Allele origin: germline.
Comment: The DIAPH3 c.2862+4T>A variant is predicted to interfere with splicing. This variant is predicted to impact splicing based on available splicing prediction programs (SpliceAI, Jaganathan et al. 2019. PubMed ID: 30661751). To our knowledge, this variant has not been reported in the literature or in a large population database (gnomAD), indicating this variant is rare. At this time, the clinical significance of this variant is uncertain due to the absence of conclusive functional and genetic evidence.